The following is an entry in ClinVar:

ClinVar aggregate classification (germline): Uncertain significance (1 of 4 stars; one submission).

Conditions:
Diamond-Blackfan anemia. Also called: Blackfan Diamond syndrome; Aregenerative anemia chronic congenital; Red cell aplasia, pure hereditary; Congenital hypoplastic anemia; Aase syndrome. Identifiers: Orphanet 124, MedGen C1260899, MeSH D029503, MONDO:0015253, HP:0004810.

Submission:

Labcorp Genetics (formerly Invitae), Labcorp
Classification: Uncertain significance for Diamond-Blackfan anemia. Last evaluated: 2023-01-06. Review status: criteria provided, single submitter. Criteria: Invitae Variant Classification Sherloc (09022015). Collection method: clinical testing. Allele origin: germline.
Comment: In summary, the available evidence is currently insufficient to determine the role of this variant in disease. Therefore, it has been classified as a Variant of Uncertain Significance. Algorithms developed to predict the effect of missense changes on protein structure and function (SIFT, PolyPhen-2, Align-GVGD) all suggest that this variant is likely to be disruptive. This variant has not been reported in the literature in individuals affected with RPL26-related conditions. This variant is not present in population databases (gnomAD no frequency). This sequence change replaces arginine, which is basic and polar, with proline, which is neutral and non-polar, at codon 84 of the RPL26 protein (p.Arg84Pro).

NM_000987.5(RPL26):c.251G>C (p.Arg84Pro)

Gene: RPL26 (ribosomal protein L26; minus strand). Cytogenetic location: 17p13.1.
Variant type: single nucleotide variant.
Coding change: c.251G>C on transcript NM_000987.5 (MANE Select); coding-DNA position 251, G replaced by C.
Protein change: p.Arg84Pro; replaces arginine 84 with proline.
Molecular consequence: missense variant.
Genome position (GRCh38, 1-based): chr17:8,379,854, C>G on the plus strand (G>C on the coding strand, the complement: RPL26 is on the minus strand). VCF-style: chr17-8379854-C-G. GRCh37 (hg19) VCF-style: chr17-8283172-C-G.
Other names: c.251G>C, p.Arg84Pro (NM_001315530.2, NM_001315531.2); short protein forms R84P.
Identifiers: ClinVar variation 2718492 (VCV002718492.3), dbSNP rs779824127, ClinGen allele CA398014749.